The following is an entry in ClinVar:

NM_001365276.2(TNXB):c.2741G>A (p.Arg914Gln)

Gene: TNXB (tenascin XB; minus strand). Cytogenetic location: 6p21.33.
Variant type: single nucleotide variant.
Coding change: c.2741G>A on transcript NM_001365276.2 (MANE Select); coding-DNA position 2741, G replaced by A.
Protein change: p.Arg914Gln; replaces arginine 914 with glutamine.
Molecular consequence: missense variant.
Genome position (GRCh38, 1-based): chr6:32,088,823, C>T on the plus strand (G>A on the coding strand, the complement: TNXB is on the minus strand). VCF-style: chr6-32088823-C-T. GRCh37 (hg19) VCF-style: chr6-32056600-C-T.
Other names: c.2741G>A, p.Arg914Gln (NM_019105.8); short protein forms R914Q.
Identifiers: ClinVar variation 521575 (VCV000521575.7), dbSNP rs750782563, ClinGen allele CA3735419.
Genomic context (GRCh38, chr6:32,088,823, plus strand): 5'-CCTAACCTCTGGCCAGCCATACCTGTGTTGGCCCTGACAGAAGCTGGGTAGCTGACTGCC[C>T]GGCCCCGCTCCGCTGTGACAGTCACCACATATTCTACGCCTGGCATCAGGTCAGTCAGCA-3'
Protein context (NP_001352205.1, residues 904-924): YVVTVTAERG[Arg914Gln]AVSYPASVRA

ClinVar aggregate classification (germline): Uncertain significance. Review status: criteria provided, multiple submitters, no conflicts (2 of 4 stars). 2 submissions from 2 submitters: Uncertain significance (2). Last evaluated 2023-12-21.

Conditions:
Inborn genetic diseases. Identifiers: MedGen C0950123, MeSH D030342.

Allele frequency attached by ClinVar (database versions not stated): gnomAD 0.00003; TOPMed 0.00003.
gnomAD v4.1: 29 of 1,579,826 alleles (0.0018%); highest among the groups gnomAD compares: African/African-American, 0.004%; no homozygotes.

Submissions (2):

GeneDx
Classification: Uncertain significance. Last evaluated: 2023-12-21. Review status: criteria provided, single submitter. Criteria: GeneDx Variant Classification Process June 2021. Collection method: clinical testing. Allele origin: germline. Affected: yes.
Comment: Has not been previously published as pathogenic or benign to our knowledge; Not observed at a significant frequency in large population cohorts (gnomAD); In silico analysis supports that this missense variant does not alter protein structure/function; This variant is associated with the following publications: (PMID: 11642233, 20649799)

Ambry Genetics
Classification: Uncertain significance for Hereditary disease. Last evaluated: 2017-02-01. Review status: criteria provided, single submitter. Criteria: ambry_reporting_categories_2017. Collection method: clinical testing. Allele origin: germline. Affected: yes. Observed: 1 heterozygote. Segregation with disease observed.
Comment: Lines of evidence used in support of classification: UNCERTAIN: Alteration(s) of Uncertain Clinical Significance Detected

Literature cited by the submitters: PubMed 11642233 (cited by Ambry Genetics); PubMed 20649799 (cited by Ambry Genetics).